The following is an entry in ClinVar:

NM_002471.4(MYH6):c.4151G>A (p.Arg1384Gln)

Gene: MYH6 (myosin heavy chain 6; minus strand). Cytogenetic location: 14q11.2.
Variant type: single nucleotide variant.
Coding change: c.4151G>A on transcript NM_002471.4 (MANE Select); coding-DNA position 4151, G replaced by A.
Protein change: p.Arg1384Gln; replaces arginine 1384 with glutamine.
Molecular consequence: missense variant.
Genome position (GRCh38, 1-based): chr14:23,388,883, C>T on the plus strand (G>A on the coding strand, the complement: MYH6 is on the minus strand). VCF-style: chr14-23388883-C-T. GRCh37 (hg19) VCF-style: chr14-23858092-C-T.
Other names: short protein forms R1384Q.
Identifiers: ClinVar variation 1344970 (VCV001344970.14), dbSNP rs139265690, ClinGen allele CA7114914.

ClinVar aggregate classification (germline): Uncertain significance. Review status: criteria provided, multiple submitters, no conflicts (2 of 4 stars). 5 submissions from 5 submitters: Uncertain significance (5). Last evaluated 2026-04-07.

Conditions:
Cardiovascular phenotype. Identifiers: MedGen CN230736.
Hypertrophic cardiomyopathy 1 (CMH1). Also called: MYH7-Related Familial Hypertrophic Cardiomyopathy; Familial hypertrophic cardiomyopathy 1. Identifiers: MedGen C3495498, MONDO:0008647, OMIM 192600.
Sick sinus syndrome 3, susceptibility to (SSS3). Identifiers: Orphanet 166282, MedGen C3279791, MONDO:0013568, OMIM 614090.
Hypertrophic cardiomyopathy 14. Identifiers: MedGen C2750467, MONDO:0013197, OMIM 613251.
Dilated cardiomyopathy 1EE (CMD1EE). Identifiers: Orphanet 154, MedGen C2750466, MONDO:0013198, OMIM 613252.
Atrial septal defect 3 (ASD3). Identifiers: Orphanet 1478, MedGen C3279790, MONDO:0013567, OMIM 614089.

Allele frequency attached by ClinVar (database versions not stated): gnomAD exomes 0.00002; ESP Exome Variant Server 0.00015; ExAC 0.00002.
gnomAD v4.1: 42 of 1,613,690 alleles (0.0026%); highest among the groups gnomAD compares: African/African-American, 0.013%; no homozygotes.

Submissions (5):

Dasa
Classification: Uncertain significance. Last evaluated: 2026-04-07. Review status: criteria provided, single submitter. Criteria: DASA Assertion Criteria. Collection method: clinical testing. Allele origin: germline.
Comment: NM_002471.4(MYH6):c.4151G>A (p.Arg1384Gln) is a missense variant that results in the substitution of arginine with glutamine. This variant is rare in population databases. Computational prediction algorithms are consistent with a deleterious effect. The currently available literature and clinical evidence are not sufficient to establish a definitive association between this variant and the reported condition. Therefore, this variant is classified as a variant of uncertain significance.

Labcorp Genetics (formerly Invitae), Labcorp
Classification: Uncertain significance for Hypertrophic cardiomyopathy 14. Last evaluated: 2026-01-16. Review status: criteria provided, single submitter. Criteria: Invitae Variant Classification Sherloc (09022015). Collection method: clinical testing. Allele origin: germline.
Comment: This sequence change replaces arginine, which is basic and polar, with glutamine, which is neutral and polar, at codon 1384 of the MYH6 protein (p.Arg1384Gln). This variant is present in population databases (rs139265690, gnomAD 0.01%). This variant has not been reported in the literature in individuals affected with MYH6-related conditions. ClinVar contains an entry for this variant (Variation ID: 1344970). Invitae Evidence Modeling of protein sequence and biophysical properties (such as structural, functional, and spatial information, amino acid conservation, physicochemical variation, residue mobility, and thermodynamic stability) indicates that this missense variant is not expected to disrupt MYH6 protein function with a negative predictive value of 80%. In summary, the available evidence is currently insufficient to determine the role of this variant in disease. Therefore, it has been classified as a Variant of Uncertain Significance.

Ambry Genetics
Classification: Uncertain significance for Cardiovascular phenotype. Last evaluated: 2025-10-27. Review status: criteria provided, single submitter. Criteria: Ambry Variant Classification Scheme 2023. Collection method: clinical testing. Allele origin: germline.
Comment: The p.R1384Q variant (also known as c.4151G>A), located in coding exon 27 of the MYH6 gene, results from a G to A substitution at nucleotide position 4151. The arginine at codon 1384 is replaced by glutamine, an amino acid with highly similar properties. This amino acid position is highly conserved in available vertebrate species. In addition, the in silico prediction for this alteration is inconclusive. Since supporting evidence is limited at this time, the clinical significance of this alteration remains unclear.

GeneDx
Classification: Uncertain significance. Last evaluated: 2022-11-09. Review status: criteria provided, single submitter. Criteria: GeneDx Variant Classification Process June 2021. Collection method: clinical testing. Allele origin: germline. Affected: yes.
Comment: Has not been previously published as pathogenic or benign to our knowledge; In silico analysis supports that this missense variant has a deleterious effect on protein structure/function

Fulgent Genetics
Classification: Uncertain significance for Hypertrophic cardiomyopathy 1; Hypertrophic cardiomyopathy 14; Dilated cardiomyopathy 1EE; Atrial septal defect 3; Sick sinus syndrome 3, susceptibility to. Last evaluated: 2021-11-09. Review status: criteria provided, single submitter. Criteria: ACMG Guidelines, 2015. Collection method: clinical testing. Allele origin: unknown.